The following is an entry in ClinVar:

NM_001164508.2(NEB):c.21983C>A (p.Thr7328Asn)

Genes: NEB (nebulin; minus strand), RIF1 (replication timing regulatory factor 1; plus strand). Cytogenetic location: 2q23.3.
Variant type: single nucleotide variant.
Coding change: c.21983C>A on transcript NM_001164508.2 (MANE Select); coding-DNA position 21983, C replaced by A.
Protein change: p.Thr7328Asn; replaces threonine 7328 with asparagine.
Molecular consequence: missense variant.
Genome position (GRCh38, 1-based): chr2:151,526,225, G>T on the plus strand (C>A on the coding strand, the complement: NEB is on the minus strand). VCF-style: chr2-151526225-G-T. GRCh37 (hg19) VCF-style: chr2-152382739-G-T.
Other names: c.21983C>A, p.Thr7328Asn (NM_001164507.2); c.22088C>A, p.Thr7363Asn (NM_001271208.2); c.16880C>A, p.Thr5627Asn (NM_004543.5); short protein forms T7363N, T7328N, T5627N.
Identifiers: ClinVar variation 1996677 (VCV001996677.1), dbSNP rs758151123, ClinGen allele CA1906814.

ClinVar aggregate classification (germline): Uncertain significance (1 of 4 stars; one submission).

Conditions:
Nemaline myopathy 2 (NEM2). Also called: Nemaline myopathy 2, autosomal recessive. Identifiers: MedGen C1850569, MONDO:0009725, OMIM 256030.

Allele frequency attached by ClinVar (database versions not stated): ExAC 0.00001.

Submission:

Labcorp Genetics (formerly Invitae), Labcorp
Classification: Uncertain significance for Nemaline myopathy 2. Last evaluated: 2022-05-20. Review status: criteria provided, single submitter. Criteria: Invitae Variant Classification Sherloc (09022015). Collection method: clinical testing. Allele origin: germline.
Comment: This sequence change replaces threonine, which is neutral and polar, with asparagine, which is neutral and polar, at codon 7363 of the NEB protein (p.Thr7363Asn). This variant is present in population databases (rs758151123, gnomAD 0.006%). This variant has not been reported in the literature in individuals affected with NEB-related conditions. Algorithms developed to predict the effect of missense changes on protein structure and function are either unavailable or do not agree on the potential impact of this missense change (SIFT: "Deleterious"; PolyPhen-2: "Not Available"; Align-GVGD: "Class C0"). In summary, the available evidence is currently insufficient to determine the role of this variant in disease. Therefore, it has been classified as a Variant of Uncertain Significance.